The following is an entry in ClinVar:

NM_005475.3(SH2B3):c.470C>T (p.Ala157Val)

Gene: SH2B3 (SH2B adaptor protein 3; plus strand). Cytogenetic location: 12q24.12.
Variant type: single nucleotide variant.
Coding change: c.470C>T on transcript NM_005475.3 (MANE Select); coding-DNA position 470, C replaced by T.
Protein change: p.Ala157Val; replaces alanine 157 with valine.
Molecular consequence: missense variant.
Genome position (GRCh38, 1-based): chr12:111,418,615, C>T. VCF-style: chr12-111418615-C-T. GRCh37 (hg19) VCF-style: chr12-111856419-C-T.
Other names: short protein forms A157V.
Identifiers: ClinVar variation 4163980 (VCV004163980.1).

ClinVar aggregate classification (germline): Uncertain significance (1 of 4 stars; one submission).

Conditions:
Inborn genetic diseases. Identifiers: MedGen C0950123, MeSH D030342.

gnomAD v4.1: 3 of 1,483,794 alleles (0.0002%); highest among the groups gnomAD compares: Admixed American, 0.0023%; no homozygotes.

Submission:

Ambry Genetics
Classification: Uncertain significance for Inborn genetic diseases. Last evaluated: 2025-08-08. Review status: criteria provided, single submitter. Criteria: Ambry Variant Classification Scheme 2023. Collection method: clinical testing. Allele origin: germline.
Comment: The p.A157V variant (also known as c.470C>T), located in coding exon 1 of the SH2B3 gene, results from a C to T substitution at nucleotide position 470. The alanine at codon 157 is replaced by valine, an amino acid with similar properties. This amino acid position is conserved. In addition, this alteration is predicted to be tolerated by in silico analysis. Based on the available evidence, the clinical significance of this variant remains unclear.